The following is an entry in ClinVar:

ClinVar aggregate classification (germline): Likely pathogenic (1 of 4 stars; one submission).

Conditions:
Cohen syndrome (COH1). Also called: Cutis verticis gyrata, retinitis pigmentosa, and sensorineural deafness; PEPPER SYNDROME. Identifiers: Orphanet 193, MedGen C0265223, MONDO:0008999, OMIM 216550.

Submission:

Labcorp Genetics (formerly Invitae), Labcorp
Classification: Likely pathogenic for Cohen syndrome. Last evaluated: 2023-09-26. Review status: criteria provided, single submitter. Criteria: Invitae Variant Classification Sherloc (09022015). Collection method: clinical testing. Allele origin: unknown.
Comment: This variant results in a copy number gain of the genomic region encompassing exon(s) 21 of the VPS13B gene. While the exact position of this variant cannot be determined from the data, sub-genic copy number gains are generally in tandem (PMID: 25640679). This variant is predicted to be out-of-frame, and may result in an absent or disrupted protein product. Loss-of-function variants in VPS13B are known to be pathogenic (PMID: 15141358, 16648375, 20461111). This variant has not been reported in the literature in individuals affected with VPS13B-related conditions. In summary, the currently available evidence indicates that the variant is pathogenic, but additional data are needed to prove that conclusively. Therefore, this variant has been classified as Likely Pathogenic.

Literature cited by the submitters: PubMed 25640679; PubMed 15141358; PubMed 16648375; PubMed 20461111.

NC_000008.10:g.(?_100403765)_(100403952_?)dup

Gene: VPS13B (vacuolar protein sorting 13 homolog B; plus strand). Cytogenetic location: 8q22.2.
Variant type: Duplication.
Identifiers: ClinVar variation 3245468 (VCV003245468.1).